The following is an entry in ClinVar:

ClinVar aggregate classification (germline): Likely benign (0 of 4 stars; one submission).

Conditions:
MIR17HG-related disorder. Also called: MIR17HG-related condition.

Submission:

PreventionGenetics, part of Exact Sciences
Classification: Likely benign for MIR17HG-related condition. Last evaluated: 2024-04-04. Review status: no assertion criteria provided. Collection method: clinical testing. Allele origin: germline.
Comment: This variant is classified as likely benign based on ACMG/AMP sequence variant interpretation guidelines (Richards et al. 2015 PMID: 25741868, with internal and published modifications).

NR_197388.1(MIR17HG):n.4371_4374del

Gene: MIR17HG (miR-17-92a-1 cluster host gene; plus strand). Cytogenetic location: 13q31.3.
Variant type: Deletion.
Molecular consequence: non-coding transcript variant (on NR_197388.1).
Genome position: GRCh38 VCF-style: chr13-91354178-TTTAG-T. GRCh37 (hg19) VCF-style: chr13-92006432-TTTAG-T.
Identifiers: ClinVar variation 3355368 (VCV003355368.1).